The following is an entry in ClinVar:

ClinVar aggregate classification (germline): Likely pathogenic (1 of 4 stars; one submission).

Conditions:
X-linked Alport syndrome (ATS1). Also called: COL4A5-Related Nephropathy; NEPHROPATHY AND DEAFNESS, X-LINKED. Identifiers: Orphanet 63, Orphanet 88917, MedGen C4746986, MONDO:0010520, OMIM 301050.

Submission:

Myriad Genetics, Inc.
Classification: Likely pathogenic for X-linked Alport syndrome. Last evaluated: 2022-02-02. Review status: criteria provided, single submitter. Criteria: Myriad Women's Health Autosomal Recessive and X-Linked Classification Criteria (2021). Collection method: clinical testing. Allele origin: unknown.
Comment: NM_000495.4(COL4A5):c.3488delC(P1163Qfs*136) is expected to be pathogenic in the context of X-linked Alport syndrome. This variant is predicted to lead to an abnormal or absent protein product due to the creation of a premature termination codon in COL4A5, a gene where loss-of-function variants are known to be pathogenic. Please note: this variant was assessed in the context of healthy population screening.

NM_033380.3(COL4A5):c.3488del (p.Pro1163fs)

Gene: COL4A5 (collagen type IV alpha 5 chain; plus strand). Cytogenetic location: Xq22.3.
Variant type: Deletion.
Coding change: c.3488del on transcript NM_033380.3 (MANE Select); coding-DNA position 3488, one base deleted (C; older notation c.3488delC).
Protein change: p.Pro1163fs; shifts the reading frame from proline 1163.
Molecular consequence: frameshift variant.
Genome position (GRCh38, 1-based): chrX:108,666,529, C deleted; the last of 2 consecutive C bases (chrX:108,666,528-108,666,529); deleting either gives the same sequence. VCF-style (leftmost placement, unchanged base first): chrX-108666527-TC-T. GRCh37 (hg19) VCF-style: chrX-107909757-TC-T.
Other names: c.3488del, p.Pro1163fs (NM_000495.5); short protein forms P1163fs.
Identifiers: ClinVar variation 1724223 (VCV001724223.2), dbSNP rs1057516187, ClinGen allele CA2580100161.